The following is an entry in ClinVar:

ClinVar aggregate classification (germline): Uncertain significance (1 of 4 stars; one submission).

Conditions:
Lipoyl transferase 1 deficiency. Also called: Lipoyltransferase 1 deficiency. Identifiers: Orphanet 401862, MedGen C4225379, MONDO:0014576, OMIM 616299.

Allele frequency attached by ClinVar (database versions not stated): gnomAD exomes below 0.00001.
gnomAD v4.1: 1 of 1,614,184 alleles (0.000062%); highest among the groups gnomAD compares: African/African-American, 0.0013%; no homozygotes.

Submission:

Diagnostics Services (NGS), CSIR - Centre For Cellular And Molecular Biology
Classification: Uncertain significance for Lipoyl transferase 1 deficiency. Last evaluated: 2023-01-25. Review status: criteria provided, single submitter. Criteria: ACMG Guidelines, 2015. Collection method: clinical testing. Allele origin: germline. Affected: yes. Observed: 1 variant allele, 1 homozygote.
Comment: The c.578T>C variant is not present in publicly available population databases like 1000 Genomes, ExAC, EVS, gnomAD, Indian Exome Database or our in-house exome database. The variant has neither been published in literature nor reported to clinical databases like in ClinVar, Human Gene Mutation Database (HGMD) or OMIM, in any affected individuals. In silico pathogenicity prediction programs like SIFT, PolyPhen-3, MutationTaster2, CADD etc predicted this variant to be likely deleterious, however these were not confirmed by published functional studies.

NM_145199.3(LIPT1):c.578T>C (p.Leu193Pro)

Genes: LIPT1 (lipoyltransferase 1; plus strand), MITD1 (microtubule interacting and trafficking domain containing 1; minus strand). Cytogenetic location: 2q11.2.
Variant type: single nucleotide variant.
Coding change: c.578T>C on transcript NM_145199.3 (MANE Select); coding-DNA position 578, T replaced by C.
Protein change: p.Leu193Pro; replaces leucine 193 with proline.
Molecular consequence: missense variant. On other transcripts: non-coding transcript variant (2).
Genome position (GRCh38, 1-based): chr2:99,162,535, T>C. VCF-style: chr2-99162535-T-C. GRCh37 (hg19) VCF-style: chr2-99778998-T-C.
Other names: c.578T>C, p.Leu193Pro (NM_001204830.2, NM_015929.4, NM_145197.3 and 1 more transcripts); short protein forms L193P.
Identifiers: ClinVar variation 2429373 (VCV002429373.3), dbSNP rs2468665128, ClinGen allele CA347853816.